The following is an entry in ClinVar:

ClinVar aggregate classification (germline): Uncertain significance. Review status: criteria provided, multiple submitters, no conflicts (2 of 4 stars). 5 submissions from 5 submitters: Uncertain significance (4). 1 of the submissions does not count toward it. Last evaluated 2025-01-01.

Conditions:
Hypophosphatasia. Also called: Phosphoethanol-aminuria. Identifiers: Orphanet 436, MedGen C0020630, MeSH D007014, MONDO:0018570.
Adult hypophosphatasia. Identifiers: Orphanet 247676, Orphanet 436, MedGen C0268413, MONDO:1010154, OMIM 146300, MONDO:0007798.
Childhood hypophosphatasia. Identifiers: Orphanet 247667, Orphanet 436, MedGen C0220743, MONDO:1010168, OMIM 241510, MONDO:0009428.
Infantile hypophosphatasia. Identifiers: Orphanet 247651, Orphanet 436, MedGen C0268412, MONDO:1010169, OMIM 241500, MONDO:0009427.

Allele frequency attached by ClinVar (database versions not stated): ExAC 0.00002; gnomAD exomes 0.00003; gnomAD 0.00012; TOPMed 0.00012; ESP Exome Variant Server 0.00015.
gnomAD v4.1: 43 of 1,613,948 alleles (0.0027%); highest among the groups gnomAD compares: African/African-American, 0.032%; no homozygotes.

Submissions (5):

CeGaT Center for Human Genetics Tuebingen
Classification: Uncertain significance. Last evaluated: 2025-01-01. Review status: criteria provided, single submitter. Criteria: CeGaT Center For Human Genetics Tuebingen Variant Classification Criteria Version 2. Collection method: clinical testing. Allele origin: germline. Affected: yes. Observed: 1 variant allele.
Comment: ALPL: PP4:Moderate, PM2:Supporting

Labcorp Genetics (formerly Invitae), Labcorp
Classification: Uncertain significance. Last evaluated: 2024-09-16. Review status: criteria provided, single submitter. Criteria: Invitae Variant Classification Sherloc (09022015). Collection method: clinical testing. Allele origin: germline.
Comment: This sequence change replaces threonine, which is neutral and polar, with methionine, which is neutral and non-polar, at codon 305 of the ALPL protein (p.Thr305Met). This variant is present in population databases (rs146908399, gnomAD 0.03%). This variant has not been reported in the literature in individuals affected with ALPL-related conditions. ClinVar contains an entry for this variant (Variation ID: 967775). Invitae Evidence Modeling of protein sequence and biophysical properties (such as structural, functional, and spatial information, amino acid conservation, physicochemical variation, residue mobility, and thermodynamic stability) indicates that this missense variant is expected to disrupt ALPL protein function with a positive predictive value of 95%. In summary, the available evidence is currently insufficient to determine the role of this variant in disease. Therefore, it has been classified as a Variant of Uncertain Significance.

Athena Diagnostics
Classification: Uncertain significance. Last evaluated: 2023-03-30. Review status: criteria provided, single submitter. Criteria: Athena Diagnostics Criteria. Collection method: clinical testing. Allele origin: unknown.
Comment: Available data are insufficient to determine the clinical significance of the variant at this time. The frequency of this variant in the general population is uninformative in assessment of its pathogenicity. Computational tools predict that this variant is not damaging.

Fulgent Genetics
Classification: Uncertain significance for Adult hypophosphatasia; Infantile hypophosphatasia; Childhood hypophosphatasia. Last evaluated: 2022-03-15. Review status: criteria provided, single submitter. Criteria: ACMG Guidelines, 2015. Collection method: clinical testing. Allele origin: unknown.

Natera, Inc.
Classification: Uncertain significance for Hypophosphatasia. Last evaluated: 2020-02-26. Review status: no assertion criteria provided. Collection method: clinical testing. Allele origin: germline. Not counted in ClinVar's aggregate classification.

NM_000478.6(ALPL):c.914C>T (p.Thr305Met)

Gene: ALPL (alkaline phosphatase, biomineralization associated; plus strand). Cytogenetic location: 1p36.12.
Variant type: single nucleotide variant.
Coding change: c.914C>T on transcript NM_000478.6 (MANE Select); coding-DNA position 914, C replaced by T.
Protein change: p.Thr305Met; replaces threonine 305 with methionine.
Molecular consequence: missense variant.
Genome position (GRCh38, 1-based): chr1:21,573,716, C>T. VCF-style: chr1-21573716-C-T. GRCh37 (hg19) VCF-style: chr1-21900209-C-T.
Other names: c.749C>T, p.Thr250Met (NM_001127501.4); c.683C>T, p.Thr228Met (NM_001177520.3); c.914C>T, p.Thr305Met (NM_001369803.2, NM_001369804.2, NM_001369805.2); short protein forms T305M, T250M, T228M.
Identifiers: ClinVar variation 967775 (VCV000967775.20), dbSNP rs146908399, ClinGen allele CA666677.